The following is an entry in ClinVar:

ClinVar aggregate classification (germline): Uncertain significance. Review status: criteria provided, multiple submitters, no conflicts (2 of 4 stars). 2 submissions from 2 submitters: Uncertain significance (2). Last evaluated 2025-04-09.

gnomAD v4.1: 3 of 1,598,386 alleles (0.00019%); highest among the groups gnomAD compares: Non-Finnish European, 0.00025%; no homozygotes.

Submissions (2):

Women's Health and Genetics/Laboratory Corporation of America, LabCorp
Classification: Uncertain significance. Last evaluated: 2025-04-09. Review status: criteria provided, single submitter. Criteria: LabCorp Variant Classification Summary - May 2015. Collection method: clinical testing. Allele origin: germline.
Comment: Variant summary: CHD8 c.405C>G (p.Phe135Leu) results in a non-conservative amino acid change in the encoded protein sequence. Two of four in-silico tools predict a benign effect of the variant on protein function. The variant was absent in 231460 control chromosomes. The available data on variant occurrences in the general population are insufficient to allow any conclusion about variant significance. To our knowledge, no occurrence of c.405C>G in individuals affected with CHD8-Related Disorders and no experimental evidence demonstrating its impact on protein function have been reported. ClinVar contains an entry for this variant (Variation ID: 3340914). Based on the evidence outlined above, the variant was classified as uncertain significance.

GeneDx
Classification: Uncertain significance. Last evaluated: 2024-02-08. Review status: criteria provided, single submitter. Criteria: GeneDx Variant Classification Process June 2021. Collection method: clinical testing. Allele origin: germline. Affected: yes.
Comment: Not observed at significant frequency in large population cohorts (gnomAD); In silico analysis supports that this missense variant has a deleterious effect on protein structure/function; Has not been previously published as pathogenic or benign to our knowledge

NM_001170629.2(CHD8):c.405C>G (p.Phe135Leu)

Gene: CHD8 (chromodomain helicase DNA binding protein 8; minus strand). Cytogenetic location: 14q11.2.
Variant type: single nucleotide variant.
Coding change: c.405C>G on transcript NM_001170629.2 (MANE Select); coding-DNA position 405, C replaced by G.
Protein change: p.Phe135Leu; replaces phenylalanine 135 with leucine.
Molecular consequence: missense variant. On other transcripts: intron variant (1).
Genome position (GRCh38, 1-based): chr14:21,431,239, G>C on the plus strand (C>G on the coding strand, the complement: CHD8 is on the minus strand). VCF-style: chr14-21431239-G-C. GRCh37 (hg19) VCF-style: chr14-21899398-G-C.
Other names: c.6+572C>G (NM_020920.4); short protein forms F135L.
Identifiers: ClinVar variation 3340914 (VCV003340914.3).